The following is an entry in ClinVar:

ClinVar aggregate classification (germline): Uncertain significance (1 of 4 stars; one submission).

gnomAD v4.1: 1 of 1,611,774 alleles (0.000062%); highest among the groups gnomAD compares: East Asian, 0.0022%; no homozygotes.

Submission:

Ambry Genetics
Classification: Uncertain significance. Last evaluated: 2026-05-14. Review status: criteria provided, single submitter. Criteria: Ambry Variant Classification Scheme 2023. Collection method: clinical testing. Allele origin: germline.
Comment: The p.S123A variant (also known as c.367T>G), located in coding exon 3 of the GFI1 gene, results from a T to G substitution at nucleotide position 367. The serine at codon 123 is replaced by alanine, an amino acid with similar properties. This amino acid position is conserved. In addition, this alteration is predicted to be tolerated by in silico analysis. Based on the available evidence, the clinical significance of this variant remains unclear.

NM_005263.5(GFI1):c.367T>G (p.Ser123Ala)

Gene: GFI1 (growth factor independent 1 transcriptional repressor; minus strand). Cytogenetic location: 1p22.1.
Variant type: single nucleotide variant.
Coding change: c.367T>G on transcript NM_005263.5 (MANE Select); coding-DNA position 367, T replaced by G.
Protein change: p.Ser123Ala; replaces serine 123 with alanine.
Molecular consequence: missense variant.
Genome position (GRCh38, 1-based): chr1:92,481,020, A>C on the plus strand (T>G on the coding strand, the complement: GFI1 is on the minus strand). VCF-style: chr1-92481020-A-C. GRCh37 (hg19) VCF-style: chr1-92946577-A-C.
Other names: c.367T>G, p.Ser123Ala (NM_001127215.3, NM_001127216.3); short protein forms S123A.
Identifiers: ClinVar variation 4858060 (VCV004858060.1).
Genomic context (GRCh38, chr1:92,481,020, plus strand): 5'-CACACGGTCGGTAGCTCTGCACCAGGTGCCGCAGGTCAGAACCCGCCAGGCCGCTCCATG[A>C]GTACGGTTTGAAAGGCAGGGGGAAGGGCTGGGCTTCGTCCAGCGATGGGCACATTGACTT-3'
Protein context (NP_005254.2, residues 113-133): QPFPLPFKPY[Ser123Ala]WSGLAGSDLR